The following continues an entry in ClinVar:

NM_004004.6(GJB2):c.503A>G (p.Lys168Arg)

Gene: GJB2. ClinVar aggregate classification (germline): Conflicting classifications of pathogenicity. Uncertain significance (9); Likely benign (1).

Submissions 8 to 10 of 10:

ARUP Laboratories, Molecular Genetics and Genomics, ARUP Laboratories
Classification: Uncertain significance. Last evaluated: 2018-11-11. Review status: criteria provided, single submitter. Criteria: ARUP Molecular Germline Variant Investigation Process. Collection method: clinical testing. Allele origin: germline.
Comment: The GJB2 c.503A>G; p.Lys168Arg variant (rs200104362) has been reported in multiple individuals in hearing loss cohorts; however, inheritance and specific clinical information were not provided for these individuals (Batissoco 2009, Manzoli 2013, Samanich 2007, Shearer 2014). The p.Lys168Arg variant is reported in ClinVar (Variant ID: 44756) and is found in the general population with an overall allele frequency of 0.005% (15/282,470 alleles) in the Genome Aggregation Database. The lysine at codon 168 is highly conserved, but computational analyses (SIFT, PolyPhen-2) predict that this variant is tolerated. Given the lack of clinical and functional data, the significance of the p.Lys168Arg variant is uncertain at this time. References: Batissoco et al. Prevalence of GJB2 (connexin-26) and GJB6 (connexin-30) mutations in a cohort of 300 Brazilian hearing-impaired individuals: implications for diagnosis and genetic counseling. Ear Hear. 2009 Feb;30(1):1-7. doi: 10.1097/AUD.0b013e31819144ad. Manzoli et al. Non-syndromic hearing impairment in a multi-ethnic population of Northeastern Brazil. Int J Pediatr Otorhinolaryngol. 2013 Jul;77(7):1077-82. doi: 10.1016/j.ijporl.2013.04.001. Epub 2013 May 15. Samanich et al. Mutations in GJB2, GJB6, and mitochondrial DNA are rare in African American and Caribbean Hispanic individuals with hearing impairment. Am J Med Genet A. 2007 Apr 15;143A(8):830-8. Shearer et al. Utilizing ethnic-specific differences in minor allele frequency to recategorize reported pathogenic deafness variants. Am J Hum Genet. 2014 Oct 2;95(4):445-53. doi: 10.1016/j.ajhg.2014.09.001. Epub 2014 Sep 25.

Eurofins Ntd Llc (ga)
Classification: Uncertain significance. Last evaluated: 2017-12-12. Review status: criteria provided, single submitter. Criteria: EGL Classification Definitions 2015. Collection method: clinical testing. Allele origin: germline.

Genomic Diagnostic Laboratory, Division of Genomic Diagnostics, Children's Hospital of Philadelphia
Classification: Uncertain significance for Deafness, autosomal recessive 1A. Last evaluated: 2017-05-09. Review status: criteria provided, single submitter. Criteria: DGD Variant Analysis Guidelines. Collection method: clinical testing. Allele origin: germline. Affected: yes. Observed: 1 variant allele.

Literature cited by the submitters: PubMed 17357124 (cited by 3 submitters); PubMed 21728791 (cited by 3 submitters); PubMed 23684175 (cited by 3 submitters); PubMed 17666888 (cited by Women's Health and Genetics/Laboratory Corporation of America, LabCorp and Laboratory for Molecular Medicine, Mass General Brigham Personalized Medicine); PubMed 20497192 (cited by 3 submitters); PubMed 19125024 (cited by 3 submitters); PubMed 19283857 (cited by Women's Health and Genetics/Laboratory Corporation of America, LabCorp and Laboratory for Molecular Medicine, Mass General Brigham Personalized Medicine); PubMed 24158611 (cited by Women's Health and Genetics/Laboratory Corporation of America, LabCorp and Laboratory for Molecular Medicine, Mass General Brigham Personalized Medicine); PubMed 17567889 (cited by 3 submitters); PubMed 24156272 (cited by 3 submitters); PubMed 20022641 (cited by Women's Health and Genetics/Laboratory Corporation of America, LabCorp and Laboratory for Molecular Medicine, Mass General Brigham Personalized Medicine); PubMed 20542681 (cited by Women's Health and Genetics/Laboratory Corporation of America, LabCorp); PubMed 25188385 (cited by Women's Health and Genetics/Laboratory Corporation of America, LabCorp); PubMed 29773520 (cited by Women's Health and Genetics/Laboratory Corporation of America, LabCorp and Laboratory for Molecular Medicine, Mass General Brigham Personalized Medicine); PubMed 30245029 (cited by Women's Health and Genetics/Laboratory Corporation of America, LabCorp and Laboratory for Molecular Medicine, Mass General Brigham Personalized Medicine); PubMed 31370293 (cited by Women's Health and Genetics/Laboratory Corporation of America, LabCorp); PubMed 33096615 (cited by Women's Health and Genetics/Laboratory Corporation of America, LabCorp); PubMed 20381175 (cited by INGEBI, INGEBI / CONICET and Laboratory for Molecular Medicine, Mass General Brigham Personalized Medicine); PubMed 19887791 (cited by INGEBI, INGEBI / CONICET); PubMed 19230829 (cited by Laboratory for Molecular Medicine, Mass General Brigham Personalized Medicine); PubMed 12172394 (cited by Laboratory for Molecular Medicine, Mass General Brigham Personalized Medicine); PubMed 19081147 (cited by Laboratory for Molecular Medicine, Mass General Brigham Personalized Medicine).